The following is an entry in ClinVar:

ClinVar aggregate classification (germline): Uncertain significance (1 of 4 stars; one submission).

Submission:

Labcorp Genetics (formerly Invitae), Labcorp
Classification: Uncertain significance. Last evaluated: 2024-10-26. Review status: criteria provided, single submitter. Criteria: Invitae Variant Classification Sherloc (09022015). Collection method: clinical testing. Allele origin: germline.
Comment: This variant, c.2408_2410del, results in the deletion of 1 amino acid(s) of the KIAA1549 protein (p.Ser803del), but otherwise preserves the integrity of the reading frame. This variant is not present in population databases (gnomAD no frequency). This variant has not been reported in the literature in individuals affected with KIAA1549-related conditions. Experimental studies and prediction algorithms are not available or were not evaluated, and the functional significance of this variant is currently unknown. In summary, the available evidence is currently insufficient to determine the role of this variant in disease. Therefore, it has been classified as a Variant of Uncertain Significance.

NM_001164665.2(KIAA1549):c.2405CTT[1] (p.Ser803del)

Gene: KIAA1549 (KIAA1549; minus strand). Cytogenetic location: 7q34.
Variant type: Microsatellite.
Coding change: c.2405CTT[1] on transcript NM_001164665.2 (MANE Select); one copy of the 3-base unit CTT starting at c.2405; the reference has two copies in a row; one copy, 3 bases deleted.
Protein change: p.Ser803del; deletes serine 803.
Molecular consequence: inframe deletion.
Genome position (GRCh38, 1-based): chr7:138,917,216-138,917,218, AAG deleted on the plus strand (CTT on the coding strand, the reverse complement: KIAA1549 is on the minus strand); deleting any 3 consecutive bases within chr7:138,917,216-138,917,222 gives the same sequence; the position shown is the placement nearest the transcript's 3' end. VCF-style (leftmost placement, unchanged base first): chr7-138917215-AAAG-A. GRCh37 (hg19) VCF-style: chr7-138601961-AAAG-A.
Other names: c.2405CTT[1], p.Ser803del (NM_020910.3); short protein forms S803del.
Identifiers: ClinVar variation 1524102 (VCV001524102.8), dbSNP rs2130477855, ClinGen allele CA2580614273.